The following is an entry in ClinVar:

ClinVar aggregate classification (germline): Uncertain significance (1 of 4 stars; one submission).

Conditions:
Dilated cardiomyopathy 1G (CMD1G). Identifiers: Orphanet 154, MedGen C1858763, MONDO:0011400, OMIM 604145.
Autosomal recessive limb-girdle muscular dystrophy type 2J (LGMDR10). Also called: MUSCULAR DYSTROPHY, LIMB-GIRDLE, AUTOSOMAL RECESSIVE 10; Limb-girdle muscular dystrophy, type 2J. Identifiers: Orphanet 140922, MedGen C1837342, MONDO:0012127, OMIM 608807.

gnomAD v4.1: 5 of 1,613,822 alleles (0.00031%); highest among the groups gnomAD compares: South Asian, 0.0011%; no homozygotes.

Submission:

Labcorp Genetics (formerly Invitae), Labcorp
Classification: Uncertain significance for Dilated cardiomyopathy 1G; Autosomal recessive limb-girdle muscular dystrophy type 2J. Last evaluated: 2025-12-08. Review status: criteria provided, single submitter. Criteria: Invitae Variant Classification Sherloc (09022015). Collection method: clinical testing. Allele origin: germline.
Comment: This sequence change replaces arginine, which is basic and polar, with serine, which is neutral and polar, at codon 34653 of the TTN protein (p.Arg34653Ser). This variant is not present in population databases (gnomAD no frequency). This variant has not been reported in the literature in individuals affected with TTN-related conditions. ClinVar contains an entry for this variant (Variation ID: 1475968). Experimental studies and prediction algorithms are not available or were not evaluated, and the functional significance of this variant is currently unknown. This variant is located in the M band of TTN (PMID: 25589632). Non-truncating variants in this region may be relevant for neuromuscular disorders, but have not been definitively shown to cause cardiomyopathy (PMID: 23975875). In summary, the available evidence is currently insufficient to determine the role of this variant in disease. Therefore, it has been classified as a Variant of Uncertain Significance.

Literature cited by the submitters: PubMed 25589632; PubMed 23975875.

NM_001267550.2(TTN):c.103957C>A (p.Arg34653Ser)

Genes: TTN-AS1 (TTN antisense RNA 1; plus strand), TTN (titin; minus strand). Cytogenetic location: 2q31.2.
Variant type: single nucleotide variant.
Coding change: c.103957C>A on transcript NM_001267550.2 (MANE Select); coding-DNA position 103957, C replaced by A.
Protein change: p.Arg34653Ser; replaces arginine 34653 with serine.
Molecular consequence: missense variant.
Genome position (GRCh38, 1-based): chr2:178,532,658, G>T on the plus strand (C>A on the coding strand, the complement: TTN is on the minus strand). VCF-style: chr2-178532658-G-T. GRCh37 (hg19) VCF-style: chr2-179397385-G-T.
Other names: c.99034C>A, p.Arg33012Ser (NM_001256850.1); c.76762C>A, p.Arg25588Ser (NM_003319.4); c.96253C>A, p.Arg32085Ser (NM_133378.4); c.77137C>A, p.Arg25713Ser (NM_133432.3); c.77338C>A, p.Arg25780Ser (NM_133437.4); short protein forms R25713S, R33012S, R34653S, R25588S, R25780S, R32085S.
Identifiers: ClinVar variation 1475968 (VCV001475968.6), dbSNP rs773002407, ClinGen allele CA349412862.